The following is an entry in ClinVar:

ClinVar aggregate classification (germline): Uncertain significance (1 of 4 stars; one submission).

Submission:

GeneDx
Classification: Uncertain significance. Last evaluated: 2024-06-20. Review status: criteria provided, single submitter. Criteria: GeneDx Variant Classification Process June 2021. Collection method: clinical testing. Allele origin: germline. Affected: yes.
Comment: Not observed at significant frequency in large population cohorts (gnomAD); In silico analysis supports that this missense variant has a deleterious effect on protein structure/function; Has not been previously published as pathogenic or benign to our knowledge

NM_001349253.2(SCN11A):c.4660G>A (p.Asp1554Asn)

Gene: SCN11A (sodium voltage-gated channel alpha subunit 11; minus strand). Cytogenetic location: 3p22.2.
Variant type: single nucleotide variant.
Coding change: c.4660G>A on transcript NM_001349253.2 (MANE Select); coding-DNA position 4660, G replaced by A.
Protein change: p.Asp1554Asn; replaces aspartic acid 1554 with asparagine.
Molecular consequence: missense variant.
Genome position (GRCh38, 1-based): chr3:38,847,410, C>T on the plus strand (G>A on the coding strand, the complement: SCN11A is on the minus strand). VCF-style: chr3-38847410-C-T. GRCh37 (hg19) VCF-style: chr3-38888901-C-T.
Other names: c.4660G>A, p.Asp1554Asn (NM_014139.3); short protein forms D1554N.
Identifiers: ClinVar variation 3391788 (VCV003391788.1).
Genomic context (GRCh38, chr3:38,847,410, plus strand): 5'-AGTTTTCTGAGGAAGAGTTACATGATTCTTTTGATCGCAGCATGGGGCTGAGCAGGGAAT[C>T]CCAACCTGCTGATGTGCTTATCTGGAAGAGACAGAGCATGCTGCTGGCAAAAGTCTTGAA-3'
Protein context (NP_001336182.1, residues 1544-1564): LFQISTSAGW[Asp1554Asn]SLLSPMLRSK